The following is an entry in ClinVar:

ClinVar aggregate classification (germline): Pathogenic (1 of 4 stars; one submission).

Conditions:
Polycystic kidney disease 2 (PKD2). Also called: POLYCYSTIC KIDNEY DISEASE, ADULT, TYPE II; Polycystic Kidney Disease 2, Autosomal Dominant; POLYCYSTIC KIDNEY DISEASE 2 WITH OR WITHOUT POLYCYSTIC LIVER DISEASE. Identifiers: MedGen C2751306, MONDO:0013131, OMIM 613095.

Allele frequency attached by ClinVar (database versions not stated): gnomAD exomes below 0.00001.
gnomAD v4.1: 1 of 1,607,396 alleles (0.000062%); highest among the groups gnomAD compares: Non-Finnish European, 0.000085%; no homozygotes.

Submission:

Centre for Mendelian Genomics, University Medical Centre Ljubljana
Classification: Pathogenic for Polycystic kidney disease 2. Last evaluated: 2019-05-07. Review status: criteria provided, single submitter. Criteria: ACMG Guidelines, 2015. Collection method: clinical testing. Allele origin: unknown. Affected: yes.
Comment: This variant was classified as: Pathogenic. The following ACMG criteria were applied in classifying this variant: PVS1,PP1,PP4.

NM_000297.4(PKD2):c.1669C>T (p.Gln557Ter)

Gene: PKD2 (polycystin 2, transient receptor potential cation channel; plus strand). Cytogenetic location: 4q22.1.
Variant type: single nucleotide variant.
Coding change: c.1669C>T on transcript NM_000297.4 (MANE Select); coding-DNA position 1669, C replaced by T.
Protein change: p.Gln557Ter; replaces glutamine 557 with a stop codon.
Molecular consequence: nonsense. On other transcripts: non-coding transcript variant (1).
Genome position (GRCh38, 1-based): chr4:88,052,111, C>T. VCF-style: chr4-88052111-C-T. GRCh37 (hg19) VCF-style: chr4-88973263-C-T.
Other names: short protein forms Q557*.
Identifiers: ClinVar variation 930405 (VCV000930405.3), dbSNP rs1273223177, ClinGen allele CA357622160.